The following is an entry in ClinVar:

NM_020949.3(SLC7A14):c.341A>G (p.Lys114Arg)

Genes: SLC7A14 (solute carrier family 7 member 14; minus strand), SLC7A14-AS1 (SLC7A14 antisense RNA 1; plus strand). Cytogenetic location: 3q26.2.
Variant type: single nucleotide variant.
Coding change: c.341A>G on transcript NM_020949.3 (MANE Select); coding-DNA position 341, A replaced by G.
Protein change: p.Lys114Arg; replaces lysine 114 with arginine.
Molecular consequence: missense variant.
Genome position (GRCh38, 1-based): chr3:170,501,309, T>C on the plus strand (A>G on the coding strand, the complement: SLC7A14 is on the minus strand). VCF-style: chr3-170501309-T-C. GRCh37 (hg19) VCF-style: chr3-170219098-T-C.
Other names: short protein forms K114R.
Identifiers: ClinVar variation 1468999 (VCV001468999.6), dbSNP rs766102042, ClinGen allele CA2701948.

ClinVar aggregate classification (germline): Uncertain significance (1 of 4 stars; one submission).

Allele frequency attached by ClinVar (database versions not stated): gnomAD exomes below 0.00001 and 0.00001; ExAC 0.00001; TOPMed 0.00001.
gnomAD v4.1: 4 of 1,614,162 alleles (0.00025%); highest among the groups gnomAD compares: Admixed American, 0.0033%; no homozygotes.

Submission:

Labcorp Genetics (formerly Invitae), Labcorp
Classification: Uncertain significance. Last evaluated: 2022-11-15. Review status: criteria provided, single submitter. Criteria: Invitae Variant Classification Sherloc (09022015). Collection method: clinical testing. Allele origin: germline.
Comment: ClinVar contains an entry for this variant (Variation ID: 1468999). This variant has not been reported in the literature in individuals affected with SLC7A14-related conditions. This variant is present in population databases (rs766102042, gnomAD 0.006%). This sequence change replaces lysine, which is basic and polar, with arginine, which is basic and polar, at codon 114 of the SLC7A14 protein (p.Lys114Arg). Algorithms developed to predict the effect of missense changes on protein structure and function are either unavailable or do not agree on the potential impact of this missense change (SIFT: "Tolerated"; PolyPhen-2: "Probably Damaging"; Align-GVGD: "Class C0"). In summary, the available evidence is currently insufficient to determine the role of this variant in disease. Therefore, it has been classified as a Variant of Uncertain Significance.